The following is an entry in ClinVar:

NM_001312909.2(FAM111A):c.1818G>A (p.Met606Ile)

Gene: FAM111A (FAM111 trypsin like peptidase A; plus strand). Cytogenetic location: 11q12.1.
Variant type: single nucleotide variant.
Coding change: c.1818G>A on transcript NM_001312909.2 (MANE Select); coding-DNA position 1818, G replaced by A.
Protein change: p.Met606Ile; replaces methionine 606 with isoleucine.
Molecular consequence: missense variant.
Genome position (GRCh38, 1-based): chr11:59,153,486, G>A. VCF-style: chr11-59153486-G-A. GRCh37 (hg19) VCF-style: chr11-58920959-G-A.
Other names: c.1818G>A, p.Met606Ile (NM_001142519.3, NM_001142520.3, NM_001142521.3 and 29 more transcripts); short protein forms M606I.
Identifiers: ClinVar variation 1031325 (VCV001031325.1), dbSNP rs1861987262, ClinGen allele CA380790631.
Genomic context (GRCh38, chr11:59,153,486, plus strand): 5'-GCAAAGACATAAACCATGGTATGAAGAAGTATTTGTAAATCAGCAGGATGTAGAAATGAT[G>A]AGTGATGAGGACTTGTGAGAATTCAGTCTACTGGATTTAAGGGAATGGCTTATGGAGTTG-3'
Protein context (NP_001299838.1, residues 596-611): VFVNQQDVEM[Met606Ile]SDEDL

ClinVar aggregate classification (germline): Uncertain significance (1 of 4 stars; one submission).

Conditions:
Osteocraniostenosis (GCLEB). Also called: OSTEOCRANIOSPLENIC SYNDROME; Osteocraniostenosis (Gracile Bone Dysplasia); HABRODYSPLASIA. Identifiers: Orphanet 2763, MedGen C1865639, MONDO:0011215, OMIM 602361.

Allele frequency attached by ClinVar (database versions not stated): gnomAD exomes below 0.00001.

Submission:

Baylor Genetics
Classification: Uncertain significance for Osteocraniostenosis. Last evaluated: 2018-01-30. Review status: criteria provided, single submitter. Criteria: ACMG Guidelines, 2015. Collection method: clinical testing. Allele origin: de novo. Affected: yes.
Comment: This variant was determined to be of uncertain significance according to ACMG Guidelines, 2015 [PMID:25741868].